The following is an entry in ClinVar:

NM_017934.7(PHIP):c.1782T>G (p.Asp594Glu)

Gene: PHIP (PHIP subunit of CUL4-Ring ligase complex; minus strand). Cytogenetic location: 6q14.1.
Variant type: single nucleotide variant.
Coding change: c.1782T>G on transcript NM_017934.7 (MANE Select); coding-DNA position 1782, T replaced by G.
Protein change: p.Asp594Glu; replaces aspartic acid 594 with glutamic acid.
Molecular consequence: missense variant.
Genome position (GRCh38, 1-based): chr6:79,001,996, A>C on the plus strand (T>G on the coding strand, the complement: PHIP is on the minus strand). VCF-style: chr6-79001996-A-C. GRCh37 (hg19) VCF-style: chr6-79711713-A-C.
Other names: c.1782T>G (NM_017934.6); short protein forms D594E.
Identifiers: ClinVar variation 1978103 (VCV001978103.20), dbSNP rs1216420598, ClinGen allele CA364631521.

ClinVar aggregate classification (germline): Conflicting classifications of pathogenicity. Review status: criteria provided, conflicting classifications (1 of 4 stars). 4 submissions from 4 submitters: Uncertain significance (3); Likely benign (1). Last evaluated 2026-02-24.

Conditions:
Early onset severe obesity. Identifiers: MedGen C4013980.
PHIP-related disorder. Also called: PHIP-related condition; PHIP-related disorders.

Allele frequency attached by ClinVar (database versions not stated): TOPMed below 0.00001; gnomAD 0.00001; gnomAD exomes 0.00006.
gnomAD v4.1: 85 of 1,613,122 alleles (0.0053%); highest among the groups gnomAD compares: Non-Finnish European, 0.007%; no homozygotes.

Submissions (4):

PreventionGenetics, part of Exact Sciences
Classification: Uncertain significance for PHIP-related condition. Last evaluated: 2026-02-24. Review status: criteria provided, single submitter. Criteria: ACMG Guidelines, 2015. Collection method: clinical testing. Allele origin: germline.
Comment: The PHIP c.1782T>G variant is predicted to result in the amino acid substitution p.Asp594Glu. This variant has not been reported in patients affected with obesity. However, in vitro studies suggest the variant may have a dominant negative effect on protein function (Marenne et al. 2020. PubMed ID: 32492392). This variant is reported in 0.0026% of alleles in individuals of European (non-Finnish) descent in gnomAD. At this time, the clinical significance of this variant is uncertain due to the absence of conclusive genetic evidence.

Cambridge Genomics Laboratory, East Genomic Laboratory Hub, NHS Genomic Medicine Service
Classification: Likely benign for Severe early-onset obesity. Last evaluated: 2025-02-19. Review status: criteria provided, single submitter. Criteria: ACGS Best Practice Guidelines for Variant Classification in Rare Disease 2020. Collection method: clinical testing. Allele origin: germline. Affected: yes.
Comment: BS1_Strong,BP4

CeGaT Center for Human Genetics Tuebingen
Classification: Uncertain significance. Last evaluated: 2024-12-01. Review status: criteria provided, single submitter. Criteria: CeGaT Center For Human Genetics Tuebingen Variant Classification Criteria Version 2. Collection method: clinical testing. Allele origin: germline. Affected: yes. Observed: 1 variant allele.
Comment: PHIP: PP2

Labcorp Genetics (formerly Invitae), Labcorp
Classification: Uncertain significance. Last evaluated: 2022-01-18. Review status: criteria provided, single submitter. Criteria: Invitae Variant Classification Sherloc (09022015). Collection method: clinical testing. Allele origin: germline.
Comment: This variant is present in population databases (no rsID available, gnomAD 0.003%). In summary, the available evidence is currently insufficient to determine the role of this variant in disease. Therefore, it has been classified as a Variant of Uncertain Significance. Experimental studies have shown that this missense change affects PHIP function (PMID: 32492392). Algorithms developed to predict the effect of variants on protein structure and function are not available or were not evaluated for this variant. This variant has not been reported in the literature in individuals affected with PHIP-related conditions. This sequence change replaces aspartic acid, which is acidic and polar, with glutamic acid, which is acidic and polar, at codon 594 of the PHIP protein (p.Asp594Glu).

Literature cited by the submitters: PubMed 32492392 (cited by Labcorp Genetics (formerly Invitae), Labcorp).